The following is an entry in ClinVar:

ClinVar aggregate classification (germline): Likely benign (0 of 4 stars; one submission).

Conditions:
SALL1-related disorder. Also called: SALL1-related condition.

Allele frequency attached by ClinVar (database versions not stated): ExAC 0.00002; gnomAD 0.00005; TOPMed 0.00009.

Submission:

PreventionGenetics, part of Exact Sciences
Classification: Likely benign for SALL1-related condition. Last evaluated: 2022-11-16. Review status: no assertion criteria provided. Collection method: clinical testing. Allele origin: germline.
Comment: This variant is classified as likely benign based on ACMG/AMP sequence variant interpretation guidelines (Richards et al. 2015 PMID: 25741868, with internal and published modifications).

NM_002968.3(SALL1):c.2121G>A (p.Glu707=)

Gene: SALL1 (spalt like transcription factor 1; minus strand). Cytogenetic location: 16q12.1.
Variant type: single nucleotide variant.
Coding change: c.2121G>A on transcript NM_002968.3 (MANE Select); coding-DNA position 2121, G replaced by A.
Protein change: p.Glu707=; no amino-acid change (glutamic acid 707 retained).
Molecular consequence: synonymous variant.
Genome position (GRCh38, 1-based): chr16:51,140,101, C>T on the plus strand (G>A on the coding strand, the complement: SALL1 is on the minus strand). VCF-style: chr16-51140101-C-T. GRCh37 (hg19) VCF-style: chr16-51174012-C-T.
Other names: c.1830G>A, p.Glu610= (NM_001127892.2).
Identifiers: ClinVar variation 3052266 (VCV003052266.2), dbSNP rs759892297, ClinGen allele CA8053157.